The following is an entry in ClinVar:

ClinVar aggregate classification (germline): Benign/Likely benign. Review status: criteria provided, multiple submitters, no conflicts (2 of 4 stars). 4 submissions from 4 submitters: Benign (2); Likely benign (1). 1 of the submissions does not count toward it. Last evaluated 2026-02-01.

Conditions:
FAM20C-related disorder. Also called: FAM20C-related condition.

Allele frequency attached by ClinVar (database versions not stated): gnomAD 0.00499 and 0.00484; 1000 Genomes Project 30x 0.00328; 1000 Genomes Project 0.00339; ESP Exome Variant Server 0.00451; TOPMed 0.00466.
gnomAD v4.1: 10,273 of 1,597,878 alleles (0.64%); highest among the groups gnomAD compares: Non-Finnish European, 0.76%; 48 homozygotes.

Submissions (28):

Labcorp Genetics (formerly Invitae), Labcorp
Classification: Benign. Last evaluated: 2026-02-01. Review status: criteria provided, single submitter. Criteria: Invitae Variant Classification Sherloc (09022015). Collection method: clinical testing. Allele origin: germline.

CeGaT Center for Human Genetics Tuebingen
Classification: Likely benign. Last evaluated: 2025-12-01. Review status: criteria provided, single submitter. Criteria: CeGaT Center For Human Genetics Tuebingen Variant Classification Criteria Version 2. Collection method: clinical testing. Allele origin: germline. Affected: yes. Observed: 6 variant alleles.
Comment: FAM20C: BS2

Eurofins Ntd Llc (ga)
Classification: Benign. Last evaluated: 2015-02-06. Review status: criteria provided, single submitter. Criteria: EGL Classification Definitions 2015. Collection method: clinical testing. Allele origin: germline. Observed: 1 variant allele, 1 heterozygote.

PreventionGenetics, part of Exact Sciences
Classification: Likely benign for FAM20C-related condition. Last evaluated: 2019-05-02. Review status: no assertion criteria provided. Collection method: clinical testing. Allele origin: germline. Not counted in ClinVar's aggregate classification.
Comment: This variant is classified as likely benign based on ACMG/AMP sequence variant interpretation guidelines (Richards et al. 2015 PMID: 25741868, with internal and published modifications).

Dr. Peter K. Rogan Lab, Western University
No classification provided (evidence only). Condition: Clear cell carcinoma of kidney. Review status: no classification provided. Collection method: in vitro. Allele origin: not applicable. Functional consequence: retained intron. Not counted in ClinVar's aggregate classification.

Dr. Peter K. Rogan Lab, Western University
No classification provided (evidence only). Condition: Clear cell carcinoma of kidney. Review status: no classification provided. Collection method: in vitro. Allele origin: not applicable. Functional consequence: retained intron. Not counted in ClinVar's aggregate classification.

Dr. Peter K. Rogan Lab, Western University
No classification provided (evidence only). Condition: Clear cell carcinoma of kidney. Review status: no classification provided. Collection method: in vitro. Allele origin: not applicable. Functional consequence: retained intron. Not counted in ClinVar's aggregate classification.

Dr. Peter K. Rogan Lab, Western University
No classification provided (evidence only). Condition: Lung cancer. Review status: no classification provided. Collection method: in vitro. Allele origin: not applicable. Functional consequence: retained intron. Not counted in ClinVar's aggregate classification.

Dr. Peter K. Rogan Lab, Western University
No classification provided (evidence only). Condition: Lung cancer. Review status: no classification provided. Collection method: in vitro. Allele origin: not applicable. Functional consequence: retained intron. Not counted in ClinVar's aggregate classification.

Dr. Peter K. Rogan Lab, Western University
No classification provided (evidence only). Condition: Melanoma. Review status: no classification provided. Collection method: in vitro. Allele origin: not applicable. Functional consequence: retained intron. Not counted in ClinVar's aggregate classification.

Dr. Peter K. Rogan Lab, Western University
No classification provided (evidence only). Condition: Melanoma. Review status: no classification provided. Collection method: in vitro. Allele origin: not applicable. Functional consequence: retained intron. Not counted in ClinVar's aggregate classification.

Dr. Peter K. Rogan Lab, Western University
No classification provided (evidence only). Condition: Acute myeloid leukemia. Review status: no classification provided. Collection method: in vitro. Allele origin: not applicable. Functional consequence: skipped exon, retained intron. Not counted in ClinVar's aggregate classification.

Dr. Peter K. Rogan Lab, Western University
No classification provided (evidence only). Condition: Colon adenocarcinoma. Review status: no classification provided. Collection method: in vitro. Allele origin: not applicable. Functional consequence: retained intron. Not counted in ClinVar's aggregate classification.

Dr. Peter K. Rogan Lab, Western University
No classification provided (evidence only). Condition: Cervical cancer. Review status: no classification provided. Collection method: in vitro. Allele origin: not applicable. Functional consequence: skipped exon. Not counted in ClinVar's aggregate classification.

Dr. Peter K. Rogan Lab, Western University
No classification provided (evidence only). Condition: Cervical cancer. Review status: no classification provided. Collection method: in vitro. Allele origin: not applicable. Functional consequence: retained intron. Not counted in ClinVar's aggregate classification.

Dr. Peter K. Rogan Lab, Western University
No classification provided (evidence only). Condition: Sarcoma. Review status: no classification provided. Collection method: in vitro. Allele origin: not applicable. Functional consequence: retained intron. Not counted in ClinVar's aggregate classification.

Dr. Peter K. Rogan Lab, Western University
No classification provided (evidence only). Condition: Sarcoma. Review status: no classification provided. Collection method: in vitro. Allele origin: not applicable. Functional consequence: retained intron. Not counted in ClinVar's aggregate classification.

Dr. Peter K. Rogan Lab, Western University
No classification provided (evidence only). Condition: Hepatocellular carcinoma. Review status: no classification provided. Collection method: in vitro. Allele origin: not applicable. Functional consequence: retained intron. Not counted in ClinVar's aggregate classification.

Dr. Peter K. Rogan Lab, Western University
No classification provided (evidence only). Condition: Hepatocellular carcinoma. Review status: no classification provided. Collection method: in vitro. Allele origin: not applicable. Functional consequence: retained intron. Not counted in ClinVar's aggregate classification.

Dr. Peter K. Rogan Lab, Western University
No classification provided (evidence only). Condition: Cholangiocarcinoma. Review status: no classification provided. Collection method: in vitro. Allele origin: not applicable. Functional consequence: retained intron. Not counted in ClinVar's aggregate classification.

Dr. Peter K. Rogan Lab, Western University
No classification provided (evidence only). Condition: Ovarian serous cystadenocarcinoma. Review status: no classification provided. Collection method: in vitro. Allele origin: not applicable. Functional consequence: retained intron. Not counted in ClinVar's aggregate classification.

Dr. Peter K. Rogan Lab, Western University
No classification provided (evidence only). Condition: Ovarian serous cystadenocarcinoma. Review status: no classification provided. Collection method: in vitro. Allele origin: not applicable. Functional consequence: retained intron. Not counted in ClinVar's aggregate classification.

Dr. Peter K. Rogan Lab, Western University
No classification provided (evidence only). Condition: Gastric cancer. Review status: no classification provided. Collection method: in vitro. Allele origin: not applicable. Functional consequence: retained intron. Not counted in ClinVar's aggregate classification.

Dr. Peter K. Rogan Lab, Western University
No classification provided (evidence only). Condition: Uterine carcinosarcoma. Review status: no classification provided. Collection method: in vitro. Allele origin: not applicable. Functional consequence: retained intron. Not counted in ClinVar's aggregate classification.

Dr. Peter K. Rogan Lab, Western University
No classification provided (evidence only). Condition: Malignant tumor of esophagus. Review status: no classification provided. Collection method: in vitro. Allele origin: not applicable. Functional consequence: retained intron. Not counted in ClinVar's aggregate classification.

Dr. Peter K. Rogan Lab, Western University
No classification provided (evidence only). Condition: Malignant tumor of esophagus. Review status: no classification provided. Collection method: in vitro. Allele origin: not applicable. Functional consequence: retained intron. Not counted in ClinVar's aggregate classification.

Dr. Peter K. Rogan Lab, Western University
No classification provided (evidence only). Condition: Malignant tumor of esophagus. Review status: no classification provided. Collection method: in vitro. Allele origin: not applicable. Functional consequence: retained intron. Not counted in ClinVar's aggregate classification.

Dr. Peter K. Rogan Lab, Western University
No classification provided (evidence only). Condition: Malignant tumor of esophagus. Review status: no classification provided. Collection method: in vitro. Allele origin: not applicable. Functional consequence: retained intron. Not counted in ClinVar's aggregate classification.

NM_020223.4(FAM20C):c.646G>A (p.Gly216Arg)

Gene: FAM20C (FAM20C golgi associated secretory pathway kinase; plus strand). Cytogenetic location: 7p22.3.
Variant type: single nucleotide variant.
Coding change: c.646G>A on transcript NM_020223.4 (MANE Select); coding-DNA position 646, G replaced by A.
Protein change: p.Gly216Arg; replaces glycine 216 with arginine.
Molecular consequence: missense variant.
Genome position (GRCh38, 1-based): chr7:195,594, G>A. VCF-style: chr7-195594-G-A. GRCh37 (hg19) VCF-style: chr7-195594-G-A.
Other names: short protein forms G216R.
Identifiers: ClinVar variation 195353 (VCV000195353.41), dbSNP rs61734970, ClinGen allele CA201678.